The following is an entry in ClinVar:

NM_207122.2(EXT2):c.1042T>G (p.Tyr348Asp)

Gene: EXT2 (exostosin glycosyltransferase 2; plus strand). Cytogenetic location: 11p11.2.
Variant type: single nucleotide variant.
Coding change: c.1042T>G on transcript NM_207122.2 (MANE Select); coding-DNA position 1042, T replaced by G.
Protein change: p.Tyr348Asp; replaces tyrosine 348 with aspartic acid.
Molecular consequence: missense variant.
Genome position (GRCh38, 1-based): chr11:44,126,918, T>G. VCF-style: chr11-44126918-T-G. GRCh37 (hg19) VCF-style: chr11-44148468-T-G.
Other names: c.1141T>G, p.Tyr381Asp (NM_000401.3); c.1042T>G, p.Tyr348Asp (NM_001178083.3, NM_001389628.1, NM_001389630.1); short protein forms Y348D, Y381D.
Identifiers: ClinVar variation 2826537 (VCV002826537.4), dbSNP rs2539568887, ClinGen allele CA380169178.

ClinVar aggregate classification (germline): Uncertain significance. Review status: criteria provided, multiple submitters, no conflicts (2 of 4 stars). 2 submissions from 2 submitters: Uncertain significance (2). Last evaluated 2025-06-15.

Conditions:
Exostoses, multiple, type 2 (EXT2). Also called: Hereditary Multiple Osteochondromatosis, Type II; EXOSTOSES, MULTIPLE, TYPE II. Identifiers: Orphanet 321, MedGen C1851413, MONDO:0007586, OMIM 133701.
EXT2-related disorder. Also called: EXT2-related condition.

Submissions (2):

PreventionGenetics, part of Exact Sciences
Classification: Uncertain significance for EXT2-related condition. Last evaluated: 2025-06-15. Review status: criteria provided, single submitter. Criteria: ACMG Guidelines, 2015. Collection method: clinical testing. Allele origin: germline.
Comment: The EXT2 c.1042T>G variant is predicted to result in the amino acid substitution p.Tyr348Asp. To our knowledge, this variant has not been reported in the literature or in a large population database (gnomAD), indicating this variant is rare. At this time, the clinical significance of this variant is uncertain due to the absence of conclusive functional and genetic evidence.

Labcorp Genetics (formerly Invitae), Labcorp
Classification: Uncertain significance for Exostoses, multiple, type 2. Last evaluated: 2023-01-06. Review status: criteria provided, single submitter. Criteria: Invitae Variant Classification Sherloc (09022015). Collection method: clinical testing. Allele origin: germline.
Comment: In summary, the available evidence is currently insufficient to determine the role of this variant in disease. Therefore, it has been classified as a Variant of Uncertain Significance. Advanced modeling of protein sequence and biophysical properties (such as structural, functional, and spatial information, amino acid conservation, physicochemical variation, residue mobility, and thermodynamic stability) performed at Invitae indicates that this missense variant is expected to disrupt EXT2 protein function. This variant has not been reported in the literature in individuals affected with EXT2-related conditions. This variant is not present in population databases (gnomAD no frequency). This sequence change replaces tyrosine, which is neutral and polar, with aspartic acid, which is acidic and polar, at codon 348 of the EXT2 protein (p.Tyr348Asp).